The following is an entry in ClinVar:

ClinVar aggregate classification (germline): Conflicting classifications of pathogenicity. Review status: criteria provided, conflicting classifications (1 of 4 stars). 8 submissions from 8 submitters: Uncertain significance (7); Likely benign (1). Last evaluated 2025-09-16.

Conditions:
Hereditary cancer-predisposing syndrome. Also called: Tumor predisposition; Hereditary Cancer Syndrome; Neoplastic Syndromes, Hereditary; Hereditary neoplastic syndrome. Identifiers: Orphanet 140162, MedGen C0027672, MeSH D009386, MONDO:0015356.
Hereditary breast ovarian cancer syndrome. Also called: Hereditary breast and ovarian cancer; Hereditary breast and/or ovarian cancer syndrome; BRCA1- and BRCA2-Associated Hereditary Breast and Ovarian Cancer; Hereditary breast and ovarian cancer syndrome; Hereditary breast and ovarian cancer syndrome (HBOC); Breast and ovarian cancer. Identifiers: Orphanet 145, MedGen C0677776, MeSH D061325, MONDO:0003582. Disease mechanism: loss of function.
Hereditary diffuse gastric adenocarcinoma (HDGC). Also called: DIFFUSE GASTRIC AND LOBULAR BREAST CANCER SYNDROME. Identifiers: Orphanet 26106, MedGen C1708349, MONDO:0007648, OMIM 137215.
Familial cancer of breast. Also called: BREAST CANCER, FAMILIAL; Hereditary breast cancer; hereditary breast carcinoma. Identifiers: Orphanet 227535, MedGen C0346153, MONDO:0016419, OMIM 114480. Disease mechanism: loss of function.

gnomAD v4.1: 2 of 1,614,036 alleles (0.00012%); highest among the groups gnomAD compares: South Asian, 0.0011%; no homozygotes.

Submissions (8):

Labcorp Genetics (formerly Invitae), Labcorp
Classification: Uncertain significance for Hereditary diffuse gastric adenocarcinoma. Last evaluated: 2025-09-16. Review status: criteria provided, single submitter. Criteria: Invitae Variant Classification Sherloc (09022015). Collection method: clinical testing. Allele origin: germline.
Comment: This sequence change replaces arginine, which is basic and polar, with glutamine, which is neutral and polar, at codon 545 of the CDH1 protein (p.Arg545Gln). This variant is not present in population databases (gnomAD no frequency). This variant has not been reported in the literature in individuals affected with CDH1-related conditions. ClinVar contains an entry for this variant (Variation ID: 127917). An algorithm developed to predict the effect of missense changes on protein structure and function (PolyPhen-2) suggests that this variant is likely to be tolerated. In summary, the available evidence is currently insufficient to determine the role of this variant in disease. Therefore, it has been classified as a Variant of Uncertain Significance.

KCCC/NGS Laboratory, Kuwait Cancer Control Center
Classification: Uncertain significance for Familial cancer of breast. Last evaluated: 2025-07-07. Review status: criteria provided, single submitter. Criteria: ACMG Guidelines, 2015. Collection method: clinical testing. Allele origin: germline. Inheritance: Autosomal dominant inheritance. Affected: yes. Observed: 1 heterozygote.
Comment: This sequence change replaces arginine, which is basic and polar, with glutamine, which is neutral and polar, at codon 545 of the CDH1 protein (p.Arg545Gln). This variant is not present in population databases (gnomAD no frequency). This is considered a semi-conservative amino acid substitution. This variant has not been reported in the literature in individuals affected with CDH1-related conditions. ClinVar contains an entry for this variant (Variation ID: 127917).While in silico analyses predict that this variant is unlikely to alter protein structure or function, splice site algorithms predict a gain of a cryptic splice acceptor site, which may influence gene splicing. In summary, the available evidence is currently insufficient to determine the role of this variant in disease. Therefore, it has been classified as a Variant of Uncertain Significance.

Ambry Genetics
Classification: Likely benign for Hereditary cancer-predisposing syndrome. Last evaluated: 2025-01-28. Review status: criteria provided, single submitter. Criteria: Ambry Variant Classification Scheme 2023. Collection method: clinical testing. Allele origin: germline.

Color Diagnostics, LLC DBA Color Health
Classification: Uncertain significance for Hereditary cancer-predisposing syndrome. Last evaluated: 2022-10-26. Review status: criteria provided, single submitter. Criteria: ACMG Guidelines, 2015. Collection method: clinical testing. Allele origin: germline.
Comment: This missense variant replaces arginine with glutamine at codon 545 of the CDH1 protein. To our knowledge, functional studies have not been reported for this variant. This variant has been detected in a breast cancer case-control meta-analysis in 0/60466 cases and 1/53461 unaffected individuals (PMID: 33471991; Leiden Open Variation Database DB-ID CDH1_000609). This variant has not been identified in the general population by the Genome Aggregation Database (gnomAD). The available evidence is insufficient to determine the role of this variant in disease conclusively. Therefore, this variant is classified as a Variant of Uncertain Significance.

Institute of Human Genetics, University of Leipzig Medical Center
Classification: Uncertain significance for Familial cancer of breast. Last evaluated: 2020-01-08. Review status: criteria provided, single submitter. Criteria: ACMG Guidelines, 2015. Collection method: clinical testing. Allele origin: germline. Affected: yes. Observed: 1 variant allele.

Cancer Genomics Group, Japanese Foundation For Cancer Research
Classification: Uncertain significance for Hereditary breast and ovarian cancer syndrome. Last evaluated: 2019-05-01. Review status: criteria provided, single submitter. Criteria: ACMG Guidelines, 2015. Collection method: research. Allele origin: germline. Affected: yes.

Women's Health and Genetics/Laboratory Corporation of America, LabCorp
Classification: Uncertain significance. Last evaluated: 2016-06-20. Review status: criteria provided, single submitter. Criteria: LabCorp Variant Classification Summary - May 2015. Collection method: clinical testing. Allele origin: germline.
Comment: Variant summary: The CDH1 c.1634G>A (p.Arg545Gln) variant involves the alteration of a non-conserved nucleotide and results in a replacement of a large size and basic Arginine (R) with a medium size and polar Glutamine (Q) located in the 4th cadherin domain. 4/4 in silico tools predict a benign outcome for this substitution (SNPs&GO not captured due to low reliability index). This variant was absent in 121400 control chromosomes and has not, to our knowledge, been reported in affected individuals via publications nor evaluated for functional impact by in vivo/vitro studies. One clinical diagnostic laboratory classified this variant as a VUS. Because of the absence of clinical information and the lack of functional studies, the variant was classified as a variant of uncertain significance (VUS) until additional information becomes available.

GeneDx
Classification: Uncertain significance. Last evaluated: 2014-03-14. Review status: criteria provided, single submitter. Criteria: GeneDx Variant Classification (06012015). Collection method: clinical testing. Allele origin: germline. Affected: yes.
Comment: This variant is denoted CDH1 c.1634G>A at the cDNA level, p.Arg545Gln (R545Q) at the protein level, and results in the change of an Arginine to a Glutamine (CGG>CAG). This variant has not, to our knowledge, been published in the literature as pathogenic or benign. CDH1 Arg545Gln was not observed in approximately 6,500 individuals of European and African American ancestry in the NHLBI Exome Sequencing Project, indicating it is not a common benign variant in these populations. Since Arginine and Glutamine differ in some properties, this is considered a semi-conservative amino acid substitution and may affect protein integrity. CDH1 Arg545Gln occurs at a position that is well conserved across species and is located in the Cadherin 4 domain (UniProt). While in silico analyses predict that this variant is unlikely to alter protein structure or function, splice site algorithms predict a gain of a cryptic splice acceptor site, which may influence gene splicing. Based on currently available information, it is unclear whether CDH1 Arg545Gln is pathogenic or benign. We consider it to be a variant of uncertain significance.

Literature cited by the submitters: PubMed 33471991 (cited by Color Diagnostics, LLC DBA Color Health).

NM_004360.5(CDH1):c.1634G>A (p.Arg545Gln)

Gene: CDH1 (cadherin 1; plus strand). Cytogenetic location: 16q22.1.
Variant type: single nucleotide variant.
Coding change: c.1634G>A on transcript NM_004360.5 (MANE Select); coding-DNA position 1634, G replaced by A.
Protein change: p.Arg545Gln; replaces arginine 545 with glutamine.
Molecular consequence: missense variant. On other transcripts: intron variant (1).
Genome position (GRCh38, 1-based): chr16:68,819,348, G>A. VCF-style: chr16-68819348-G-A. GRCh37 (hg19) VCF-style: chr16-68853251-G-A.
Other names: p.R545Q:CGG>CAG; c.1634G>A (LRG_301t1); c.1451G>A, p.Arg484Gln (NM_001317184.2); c.86G>A, p.Arg29Gln (NM_001317185.2); c.-254-2653G>A (NM_001317186.2); short protein forms R545Q, R29Q, R484Q.
Identifiers: ClinVar variation 127917 (VCV000127917.27), dbSNP rs587780115, ClinGen allele CA288042.